The following is an entry in ClinVar:

ClinVar aggregate classification (germline): Likely benign (1 of 4 stars; one submission).

Allele frequency attached by ClinVar (database versions not stated): gnomAD 0.00002; TOPMed 0.00002; ExAC 0.00005; ESP Exome Variant Server 0.00008.

Submission:

CeGaT Center for Human Genetics Tuebingen
Classification: Likely benign. Last evaluated: 2022-07-01. Review status: criteria provided, single submitter. Criteria: CeGaT Center For Human Genetics Tuebingen Variant Classification Criteria Version 2. Collection method: clinical testing. Allele origin: germline. Affected: yes. Observed: 1 variant allele.
Comment: INTS1: BP4, BP7

NM_001080453.3(INTS1):c.1191G>A (p.Thr397=)

Gene: INTS1 (integrator complex subunit 1; minus strand). Cytogenetic location: 7p22.3.
Variant type: single nucleotide variant.
Coding change: c.1191G>A on transcript NM_001080453.3 (MANE Select); coding-DNA position 1191, G replaced by A.
Protein change: p.Thr397=; no amino-acid change (threonine 397 retained).
Molecular consequence: synonymous variant.
Genome position (GRCh38, 1-based): chr7:1,498,799, C>T on the plus strand (G>A on the coding strand, the complement: INTS1 is on the minus strand). VCF-style: chr7-1498799-C-T. GRCh37 (hg19) VCF-style: chr7-1538435-C-T.
Identifiers: ClinVar variation 2657214 (VCV002657214.24), dbSNP rs373109167, ClinGen allele CA4120428.